The following is an entry in ClinVar:

NM_001110556.2(FLNA):c.7502del (p.Tyr2501fs)

Gene: FLNA (filamin A; minus strand). Cytogenetic location: Xq28.
Variant type: Deletion.
Coding change: c.7502del on transcript NM_001110556.2 (MANE Select); coding-DNA position 7502, one base deleted (A; older notation c.7502delA).
Protein change: p.Tyr2501fs; shifts the reading frame from tyrosine 2501.
Molecular consequence: frameshift variant.
Genome position (GRCh38, 1-based): chrX:154,349,699, T deleted on the plus strand (A on the coding strand, the reverse complement: FLNA is on the minus strand). VCF-style (leftmost placement, unchanged base first): chrX-154349698-GT-G. GRCh37 (hg19) VCF-style: chrX-153578066-GT-G.
Other names: c.7478del, p.Tyr2493fs (NM_001456.4); short protein forms Y2493fs, Y2501fs.
Identifiers: ClinVar variation 3759380 (VCV003759380.2).

ClinVar aggregate classification (germline): Pathogenic (1 of 4 stars; one submission).

Conditions:
Melnick-Needles syndrome (MNS). Also called: MELNICK-NEEDLES OSTEODYSPLASTY; OSTEODYSPLASTY OF MELNICK AND NEEDLES; Melnick-Needles Syndrome (FLNA-MNS). Identifiers: Orphanet 2484, MedGen C0025237, MONDO:0010650, OMIM 309350.
Frontometaphyseal dysplasia (FMD1). Identifiers: Orphanet 1826, MedGen C0265293, MONDO:0015942.
Heterotopia, periventricular, X-linked dominant (PVNH1). Also called: PERIVENTRICULAR NODULAR HETEROTOPIA 1; X-linked periventricular heterotopia; PERIVENTRICULAR NODULAR HETEROTOPIA 4; HETEROTOPIA, PERIVENTRICULAR, 1. Identifiers: Orphanet 2149, Orphanet 82004, MedGen C1848213, MONDO:0010233, OMIM 300049.
Oto-palato-digital syndrome, type II (OPD2). Also called: FACIOPALATOOSSEOUS SYNDROME; OPD II SYNDROME; Otopalatodigital Syndrome, Type II; Otopalatodigital Syndrome Type 2 (FLNA-OPD2). Identifiers: Orphanet 669, Orphanet 90652, MedGen C1844696, MONDO:0010571, OMIM 304120.

Submission:

Labcorp Genetics (formerly Invitae), Labcorp
Classification: Pathogenic for Oto-palato-digital syndrome, type II; Heterotopia, periventricular, X-linked dominant; Frontometaphyseal dysplasia; Melnick-Needles syndrome. Last evaluated: 2024-10-23. Review status: criteria provided, single submitter. Criteria: Invitae Variant Classification Sherloc (09022015). Collection method: clinical testing. Allele origin: germline.
Comment: This sequence change creates a premature translational stop signal (p.Tyr2493Serfs*35) in the FLNA gene. It is expected to result in an absent or disrupted protein product. Loss-of-function variants in FLNA are known to be pathogenic (PMID: 16684786, 20730588, 26471271). This variant is not present in population databases (gnomAD no frequency). This variant has not been reported in the literature in individuals affected with FLNA-related conditions. For these reasons, this variant has been classified as Pathogenic.

Literature cited by the submitters: PubMed 16684786; PubMed 20730588; PubMed 26471271.